The following is an entry in ClinVar:

ClinVar aggregate classification (germline): Uncertain significance. Review status: criteria provided, multiple submitters, no conflicts (2 of 4 stars). 4 submissions from 4 submitters: Uncertain significance (4). Last evaluated 2025-11-26.

Conditions:
Epidermolysis bullosa simplex 5B, with muscular dystrophy (EBS5B). Also called: Epidermolysis bullosa simplex with muscular dystrophy; EPIDERMOLYSIS BULLOSA SIMPLEX AND LIMB-GIRDLE MUSCULAR DYSTROPHY. Identifiers: Orphanet 257, MedGen C2931072, MONDO:0009181, OMIM 226670.
Autosomal recessive limb-girdle muscular dystrophy type 2Q (LGMDR17). Also called: MUSCULAR DYSTROPHY, LIMB-GIRDLE, AUTOSOMAL RECESSIVE 17. Identifiers: Orphanet 254361, MedGen C3150989, MONDO:0013390, OMIM 613723.
Epidermolysis bullosa simplex with nail dystrophy (EBS5D). Identifiers: MedGen C4225309, MONDO:0014661, OMIM 616487.
Epidermolysis bullosa simplex 5C, with pyloric atresia (EBS5C). Also called: PLEC-Related Epidermolysis Bullosa with Pyloric Atresia; Epidermolysis bullosa simplex with pyloric atresia; PLEC1-Related Epidermolysis Bullosa with Pyloric Atresia. Identifiers: Orphanet 158684, MedGen C2677349, MONDO:0012807, OMIM 612138.
Epidermolysis bullosa simplex, Ogna type (EBS5A). Also called: Pidermolysis bullosa simplex 5A, Ogna type; EPIDERMOLYSIS BULLOSA SIMPLEX 5A, OGNA TYPE. Identifiers: Orphanet 79401, MedGen C0432317, MONDO:0007555, OMIM 131950.
Inborn genetic diseases. Identifiers: MedGen C0950123, MeSH D030342.

Allele frequency attached by ClinVar (database versions not stated): gnomAD exomes 0.00001.
gnomAD v4.1: 16 of 1,606,816 alleles (0.001%); highest among the groups gnomAD compares: Admixed American, 0.015%; no homozygotes.

Submissions (4):

Ambry Genetics
Classification: Uncertain significance for Inborn genetic diseases. Last evaluated: 2025-11-26. Review status: criteria provided, single submitter. Criteria: Ambry Variant Classification Scheme 2023. Collection method: clinical testing. Allele origin: germline.

Labcorp Genetics (formerly Invitae), Labcorp
Classification: Uncertain significance for Autosomal recessive limb-girdle muscular dystrophy type 2Q; Epidermolysis bullosa simplex, Ogna type; Epidermolysis bullosa simplex with nail dystrophy; Epidermolysis bullosa simplex 5C, with pyloric atresia; Epidermolysis bullosa simplex 5B, with muscular dystrophy. Last evaluated: 2023-10-14. Review status: criteria provided, single submitter. Criteria: Invitae Variant Classification Sherloc (09022015). Collection method: clinical testing. Allele origin: germline.
Comment: This sequence change replaces leucine, which is neutral and non-polar, with valine, which is neutral and non-polar, at codon 445 of the PLEC protein (p.Leu445Val). This variant is present in population databases (rs782155361, gnomAD 0.02%). This variant has not been reported in the literature in individuals affected with PLEC-related conditions. ClinVar contains an entry for this variant (Variation ID: 966378). Experimental studies and prediction algorithms are not available or were not evaluated, and the functional significance of this variant is currently unknown. In summary, the available evidence is currently insufficient to determine the role of this variant in disease. Therefore, it has been classified as a Variant of Uncertain Significance.

Mayo Clinic Laboratories, Mayo Clinic
Classification: Uncertain significance. Last evaluated: 2023-01-26. Review status: criteria provided, single submitter. Criteria: ACMG Guidelines, 2015. Collection method: clinical testing. Allele origin: germline. Observed: 1 variant allele.

Revvity Omics, Revvity
Classification: Uncertain significance. Last evaluated: 2021-07-15. Review status: criteria provided, single submitter. Criteria: ACMG Guidelines, 2015. Collection method: clinical testing. Allele origin: germline.

NM_201384.3(PLEC):c.1252C>G (p.Leu418Val)

Genes: PLEC (plectin; minus strand), LOC130001334 (ATAC-STARR-seq lymphoblastoid silent region 19628; plus strand). Cytogenetic location: 8q24.3.
Variant type: single nucleotide variant.
Coding change: c.1252C>G on transcript NM_201384.3 (MANE Select); coding-DNA position 1252, C replaced by G.
Protein change: p.Leu418Val; replaces leucine 418 with valine.
Molecular consequence: missense variant.
Genome position (GRCh38, 1-based): chr8:143,934,009, G>C on the plus strand (C>G on the coding strand, the complement: PLEC is on the minus strand). VCF-style: chr8-143934009-G-C. GRCh37 (hg19) VCF-style: chr8-145008177-G-C.
Other names: p.Leu445Val; c.1333C>G (NM_000445.3); c.1333C>G, p.Leu445Val (NM_000445.5); c.1210C>G, p.Leu404Val (NM_201378.4); c.1186C>G, p.Leu396Val (NM_201379.3); c.1663C>G, p.Leu555Val (NM_201380.4); c.1156C>G, p.Leu386Val (NM_201381.3); c.1252C>G, p.Leu418Val (NM_201382.4); and 1 more; short protein forms L396V, L418V, L422V, L386V, L404V, L445V, L555V.
Identifiers: ClinVar variation 966378 (VCV000966378.11), dbSNP rs782155361, ClinGen allele CA4928084.
Genomic context (GRCh38, chr8:143,934,009, plus strand): 5'-GGCTCCTCCGGCCTCCCTCCCGCCCACTGCCTGCCCCACACCCCCTCACCGACTGCAGCA[G>C]GGCGTCGGCCTGGTTCAGCTGCTCCTCACACAGCCCCGCCTCCATCTGCAGCTTGGTCAC-3'
Protein context (NP_958786.1, residues 408-428): CEEQLNQADA[Leu418Val]LQSDVRLLAA